The following is an entry in ClinVar:

NM_001378609.3(OTOGL):c.4146_4147del (p.Cys1383fs)

Gene: OTOGL (otogelin like; plus strand). Cytogenetic location: 12q21.31.
Variant type: Deletion.
Coding change: c.4146_4147del on transcript NM_001378609.3 (MANE Select); coding-DNA positions 4146 to 4147, 2 bases deleted (CT; older notation c.4146_4147delCT).
Protein change: p.Cys1383fs; shifts the reading frame from cysteine 1383.
Molecular consequence: frameshift variant.
Genome position (GRCh38, 1-based): chr12:80,323,787-80,323,788, CT deleted. VCF-style (leftmost placement, unchanged base first): chr12-80323786-CCT-C. GRCh37 (hg19) VCF-style: chr12-80717566-CCT-C.
Other names: c.4011_4012del, p.Cys1338fs (NM_001368062.3); c.4146_4147del, p.Cys1383fs (NM_001378610.3, NM_173591.7); short protein forms C1338fs, C1383fs.
Identifiers: ClinVar variation 2429563 (VCV002429563.5), dbSNP rs746782348, ClinGen allele CA6701269.

ClinVar aggregate classification (germline): Pathogenic/Likely pathogenic. Review status: criteria provided, multiple submitters, no conflicts (2 of 4 stars). 3 submissions from 3 submitters: Pathogenic (1); Likely pathogenic (2). Last evaluated 2026-10-15.

Conditions:
OTOGL-related disorder. Also called: OTOGL-related condition.

Allele frequency attached by ClinVar (database versions not stated): gnomAD exomes 0.00001; TOPMed 0.00001; ExAC 0.00001; gnomAD 0.00001.

Submissions (3):

GeneDx
Classification: Likely pathogenic. Last evaluated: 2026-10-15. Review status: criteria provided, single submitter. Criteria: GeneDx Variant Classification Process June 2021. Collection method: clinical testing. Allele origin: germline.
Comment: Frameshift variant predicted to result in protein truncation or nonsense mediated decay in a gene for which loss of function is a known mechanism of disease; Not observed at significant frequency in large population cohorts (gnomAD); Has not been previously published as pathogenic or benign to our knowledge

Labcorp Genetics (formerly Invitae), Labcorp
Classification: Pathogenic. Last evaluated: 2025-05-05. Review status: criteria provided, single submitter. Criteria: Invitae Variant Classification Sherloc (09022015). Collection method: clinical testing. Allele origin: germline.
Comment: This sequence change creates a premature translational stop signal (p.Cys1374Phefs*2) in the OTOGL gene. It is expected to result in an absent or disrupted protein product. Loss-of-function variants in OTOGL are known to be pathogenic (PMID: 23122586). This variant is present in population databases (rs746782348, gnomAD 0.003%). This variant has not been reported in the literature in individuals affected with OTOGL-related conditions. ClinVar contains an entry for this variant (Variation ID: 2429563). For these reasons, this variant has been classified as Pathogenic.

Blueprint Genetics
Classification: Likely pathogenic for OTOGL-related disorders. Last evaluated: 2023-07-26. Review status: criteria provided, single submitter. Criteria: ACMG Guidelines, 2015. Collection method: clinical testing. Allele origin: germline. Affected: yes. Observed: 5 variant alleles.

Literature cited by the submitters: PubMed 23122586 (cited by Labcorp Genetics (formerly Invitae), Labcorp).